The following is an entry in ClinVar:

NM_001308093.3(GATA4):c.310G>A (p.Val104Met)

Gene: GATA4 (GATA binding protein 4). Cytogenetic location: 8p23.1.
Variant type: single nucleotide variant.
Coding change: c.310G>A on transcript NM_001308093.3 (MANE Select); coding-DNA position 310, G replaced by A.
Protein change: p.Val104Met; replaces valine 104 with methionine.
Molecular consequence: missense variant. On other transcripts: intron variant (3).
Genome position (GRCh38, 1-based): chr8:11,708,622, G>A. VCF-style: chr8-11708622-G-A. GRCh37 (hg19) VCF-style: chr8-11566131-G-A.
Other names: c.310G>A, p.Val104Met (NM_002052.5); c.-6+7844G>A (NM_001308094.2); c.-3+608G>A (NM_001374274.1); c.-3+4318G>A (NM_001374273.1); short protein forms V104M.
Identifiers: ClinVar variation 2452502 (VCV002452502.4), dbSNP rs1303939384, ClinGen allele CA370309360.

ClinVar aggregate classification (germline): Uncertain significance. Review status: criteria provided, multiple submitters, no conflicts (2 of 4 stars). 2 submissions from 2 submitters: Uncertain significance (2). Last evaluated 2024-05-04.

Conditions:
Cardiovascular phenotype. Identifiers: MedGen CN230736.
Atrioventricular septal defect 4 (AVSD4). Identifiers: MedGen C3280781, MONDO:0013747, OMIM 614430.

Submissions (2):

Labcorp Genetics (formerly Invitae), Labcorp
Classification: Uncertain significance for Atrioventricular septal defect 4. Last evaluated: 2024-05-04. Review status: criteria provided, single submitter. Criteria: Invitae Variant Classification Sherloc (09022015). Collection method: clinical testing. Allele origin: germline.
Comment: This sequence change replaces valine, which is neutral and non-polar, with methionine, which is neutral and non-polar, at codon 104 of the GATA4 protein (p.Val104Met). This variant is not present in population databases (gnomAD no frequency). This variant has not been reported in the literature in individuals affected with GATA4-related conditions. ClinVar contains an entry for this variant (Variation ID: 2452502). Advanced modeling of protein sequence and biophysical properties (such as structural, functional, and spatial information, amino acid conservation, physicochemical variation, residue mobility, and thermodynamic stability) performed at Invitae indicates that this missense variant is not expected to disrupt GATA4 protein function with a negative predictive value of 80%. In summary, the available evidence is currently insufficient to determine the role of this variant in disease. Therefore, it has been classified as a Variant of Uncertain Significance.

Ambry Genetics
Classification: Uncertain significance for Cardiovascular phenotype. Last evaluated: 2022-11-27. Review status: criteria provided, single submitter. Criteria: Ambry Variant Classification Scheme 2023. Collection method: clinical testing. Allele origin: germline.
Comment: The p.V104M variant (also known as c.310G>A), located in coding exon 1 of the GATA4 gene, results from a G to A substitution at nucleotide position 310. The valine at codon 104 is replaced by methionine, an amino acid with highly similar properties. This amino acid position is conserved. In addition, the in silico prediction for this alteration is inconclusive. Since supporting evidence is limited at this time, the clinical significance of this alteration remains unclear.